The following is an entry in ClinVar:

ClinVar aggregate classification (germline): Uncertain significance (1 of 4 stars; one submission).

Conditions:
Beckwith-Wiedemann syndrome (BWS). Also called: Exomphalos macroglossia gigantism syndrome; EMG SYNDROME. Identifiers: Orphanet 116, MedGen C0004903, MONDO:0007534, OMIM 130650.

Submission:

Labcorp Genetics (formerly Invitae), Labcorp
Classification: Uncertain significance for Beckwith-Wiedemann syndrome. Last evaluated: 2025-03-31. Review status: criteria provided, single submitter. Criteria: Invitae Variant Classification Sherloc (09022015). Collection method: clinical testing. Allele origin: germline.
Comment: This sequence change replaces asparagine, which is neutral and polar, with aspartic acid, which is acidic and polar, at codon 59 of the CDKN1C protein (p.Asn59Asp). This variant is not present in population databases (gnomAD no frequency). This variant has not been reported in the literature in individuals affected with CDKN1C-related conditions. ClinVar contains an entry for this variant (Variation ID: 937608). Invitae Evidence Modeling of protein sequence and biophysical properties (such as structural, functional, and spatial information, amino acid conservation, physicochemical variation, residue mobility, and thermodynamic stability) indicates that this missense variant is not expected to disrupt CDKN1C protein function with a negative predictive value of 80%. In summary, the available evidence is currently insufficient to determine the role of this variant in disease. Therefore, it has been classified as a Variant of Uncertain Significance.

NM_001122630.2(CDKN1C):c.142A>G (p.Asn48Asp)

Gene: CDKN1C (cyclin dependent kinase inhibitor 1C; minus strand). Cytogenetic location: 11p15.4.
Variant type: single nucleotide variant.
Coding change: c.142A>G on transcript NM_001122630.2 (MANE Select); coding-DNA position 142, A replaced by G.
Protein change: p.Asn48Asp; replaces asparagine 48 with aspartic acid.
Molecular consequence: missense variant.
Genome position (GRCh38, 1-based): chr11:2,885,315, T>C on the plus strand (A>G on the coding strand, the complement: CDKN1C is on the minus strand). VCF-style: chr11-2885315-T-C. GRCh37 (hg19) VCF-style: chr11-2906545-T-C.
Other names: c.175A>G, p.Asn59Asp (NM_000076.2, NM_001362474.2); c.142A>G, p.Asn48Asp (NM_001122631.2, NM_001362475.2); short protein forms N59D, N48D.
Identifiers: ClinVar variation 937608 (VCV000937608.9), dbSNP rs1402483625, ClinGen allele CA379147506.
Genomic context (GRCh38, chr11:2,885,315, plus strand): 5'-ACTGCAGGCGTCCAGGGCCCCGCAGCGGCATGTCCTGCTGGAAGTCGTAATCCCAGCGGT[T>C]CTGGTCCTCGGCGTTCAGCTCGGCCAGGCGGGCCTGCAGCTCGCGGCTCAGCTCCTCGTG-3'
Protein context (NP_001116102.1, residues 38-58): RLAELNAEDQ[Asn48Asp]RWDYDFQQDM